The following is an entry in ClinVar:

NC_000023.10:g.(?_151999510)_(152037908_?)dup

Gene: NSDHL (NAD(P) dependent steroid dehydrogenase-like; plus strand). Cytogenetic location: Xq28.
Variant type: Duplication.
Identifiers: ClinVar variation 2577120 (VCV002577120.1).

ClinVar aggregate classification (germline): Uncertain significance (1 of 4 stars; one submission).

Submission:

Women's Health and Genetics/Laboratory Corporation of America, LabCorp
Classification: Uncertain significance. Last evaluated: 2023-07-24. Review status: criteria provided, single submitter. Criteria: LabCorp Variant Classification Summary - May 2015. Collection method: clinical testing. Allele origin: germline.
Comment: Variant summary: The variant identified by MLPA or other technology involves the duplication of exons 1-8 (i.e., the full coding sequence) of the NSDHL gene. A presumed nomenclature of c.(?_-195)_(*248_?)dup has been designated for the purposes of this classification. It has been assumed that this is a tandem duplication in direct orientation (Richardson_GIM_2018, Newman_AJHG_2015). Since exact breakpoints of this duplication are not known, it might extend beyond the assayed region of the NSDHL gene, including other flanking genes. A large duplication variant (208,691 bp) involving the NSDHL gene (together with the full duplication of the upstream flanking genes MAGEA3, CSAG2, MAGEA2, CSAG1, and MAGEA12, as well as a partial duplication of the downstream flanking gene ZNF185) was found at a frequency of 0.00038 in 15812 control chromosomes (i.e., 6 heterozygotes, including 3 heterozygous females and 3 hemizygous males; gnomAD Structural Variants dataset). The available data on variant occurrences in the general population are insufficient to allow any conclusion about variant significance. A large 260-kb duplication that includes the NSDHL gene has been reported in the literature in at least one hemizygous male affected with intellectual disability, facial anomalies, and serum free fatty acid abnormality (e.g., Hu_2018). This report does not provide unequivocal conclusions about association of the variant with NSDHL-Related Disorder. To our knowledge, no experimental evidence demonstrating an impact on protein function has been reported. The following publication was ascertained in the context of this evaluation (PMID: 30376821). At least ten submitters have reported clinical-significance assessments for this several large duplication variants (ranging from approximately 364 Kb to 156 Mb) to ClinVar after 2014. Multiple submitters reported these large duplications with conflicting assessments: 6 submitters cited the large duplications as pathogenic, and 4 submitters cited the duplications (particularly the smaller duplications) as uncertain significance. Based on the evidence outlined above, the variant was classified as uncertain significance.

Literature cited by the submitters: PubMed 30376821.